The following is an entry in ClinVar:

ClinVar aggregate classification (germline): Uncertain significance. Review status: criteria provided, multiple submitters, no conflicts (2 of 4 stars). 2 submissions from 2 submitters: Uncertain significance (2). Last evaluated 2025-09-24.

Conditions:
FG syndrome (FGS). Identifiers: MedGen C0220769, MONDO:0002010.
Familial thoracic aortic aneurysm and aortic dissection (TAAD). Also called: Thoracic aortic aneurysms and dissections. Identifiers: Orphanet 91387, MedGen C4707243, MONDO:0019625.

Allele frequency attached by ClinVar (database versions not stated): gnomAD exomes 0.00001.
gnomAD v4.1: 7 of 1,209,695 alleles (0.00058%); highest among the groups gnomAD compares: East Asian, 0.021%; no homozygotes.

Submissions (2):

Labcorp Genetics (formerly Invitae), Labcorp
Classification: Uncertain significance for FG syndrome. Last evaluated: 2025-09-24. Review status: criteria provided, single submitter. Criteria: Invitae Variant Classification Sherloc (09022015). Collection method: clinical testing. Allele origin: germline.
Comment: This sequence change replaces alanine, which is neutral and non-polar, with valine, which is neutral and non-polar, at codon 767 of the MED12 protein (p.Ala767Val). This variant is not present in population databases (gnomAD no frequency). This variant has not been reported in the literature in individuals affected with MED12-related conditions. ClinVar contains an entry for this variant (Variation ID: 1789286). Invitae Evidence Modeling of protein sequence and biophysical properties (such as structural, functional, and spatial information, amino acid conservation, physicochemical variation, residue mobility, and thermodynamic stability) has been performed for this missense variant. However, the output from this modeling did not meet the statistical confidence thresholds required to predict the impact of this variant on MED12 protein function. In summary, the available evidence is currently insufficient to determine the role of this variant in disease. Therefore, it has been classified as a Variant of Uncertain Significance.

Ambry Genetics
Classification: Uncertain significance for Familial thoracic aortic aneurysm and aortic dissection. Last evaluated: 2020-08-27. Review status: criteria provided, single submitter. Criteria: Ambry Variant Classification Scheme 2023. Collection method: clinical testing. Allele origin: germline.
Comment: The p.A767V variant (also known as c.2300C>T), located in coding exon 16 of the MED12 gene, results from a C to T substitution at nucleotide position 2300. The alanine at codon 767 is replaced by valine, an amino acid with similar properties. This variant was not reported in population-based cohorts in the Genome Aggregation Database (gnomAD). This amino acid position is highly conserved in available vertebrate species. In addition, the in silico prediction for this alteration is inconclusive. Since supporting evidence is limited at this time, the clinical significance of this alteration remains unclear.

NM_005120.3(MED12):c.2300C>T (p.Ala767Val)

Gene: MED12 (mediator complex subunit 12; plus strand). Cytogenetic location: Xq13.1.
Variant type: single nucleotide variant.
Coding change: c.2300C>T on transcript NM_005120.3 (MANE Select); coding-DNA position 2300, C replaced by T.
Protein change: p.Ala767Val; replaces alanine 767 with valine.
Molecular consequence: missense variant.
Genome position (GRCh38, 1-based): chrX:71,125,424, C>T. VCF-style: chrX-71125424-C-T. GRCh37 (hg19) VCF-style: chrX-70345274-C-T.
Other names: short protein forms A767V.
Identifiers: ClinVar variation 1789286 (VCV001789286.3), dbSNP rs2147793026, ClinGen allele CA413511956.